The following is an entry in ClinVar:

ClinVar aggregate classification (germline): Uncertain significance (1 of 4 stars; one submission).

Submission:

CeGaT Center for Human Genetics Tuebingen
Classification: Uncertain significance. Last evaluated: 2023-01-01. Review status: criteria provided, single submitter. Criteria: CeGaT Center For Human Genetics Tuebingen Variant Classification Criteria Version 2. Collection method: clinical testing. Allele origin: germline. Affected: yes. Observed: 1 variant allele.
Comment: SPOP: PM1, PM2, PP2

NM_001007228.2(SPOP):c.367T>A (p.Tyr123Asn)

Gene: SPOP (speckle type BTB/POZ protein; minus strand). Cytogenetic location: 17q21.33.
Variant type: single nucleotide variant.
Coding change: c.367T>A on transcript NM_001007228.2 (MANE Select); coding-DNA position 367, T replaced by A.
Protein change: p.Tyr123Asn; replaces tyrosine 123 with asparagine.
Molecular consequence: missense variant.
Genome position (GRCh38, 1-based): chr17:49,619,094, A>T on the plus strand (T>A on the coding strand, the complement: SPOP is on the minus strand). VCF-style: chr17-49619094-A-T. GRCh37 (hg19) VCF-style: chr17-47696456-A-T.
Other names: c.367T>A, p.Tyr123Asn (NM_001007226.1, NM_001007227.1, NM_001007229.1 and 5 more transcripts); short protein forms Y123N.
Identifiers: ClinVar variation 2498712 (VCV002498712.28), dbSNP rs2143264356, ClinGen allele CA400156759.